The following is an entry in ClinVar:

NM_000256.3(MYBPC3):c.109G>A (p.Gly37Arg)

Gene: MYBPC3 (myosin binding protein C3; minus strand). Cytogenetic location: 11p11.2.
Variant type: single nucleotide variant.
Coding change: c.109G>A on transcript NM_000256.3 (MANE Select); coding-DNA position 109, G replaced by A.
Protein change: p.Gly37Arg; replaces glycine 37 with arginine.
Molecular consequence: missense variant.
Genome position (GRCh38, 1-based): chr11:47,351,422, C>T on the plus strand (G>A on the coding strand, the complement: MYBPC3 is on the minus strand). VCF-style: chr11-47351422-C-T. GRCh37 (hg19) VCF-style: chr11-47372973-C-T.
Other names: short protein forms G37R.
Identifiers: ClinVar variation 1172392 (VCV001172392.3), dbSNP rs2142869753, ClinGen allele CA380341912.

ClinVar aggregate classification (germline): Uncertain significance (1 of 4 stars; one submission).

Conditions:
Cardiomyopathy (CMYO). Also called: Cardiomyopathies. Identifiers: Orphanet 167848, MedGen C0878544, MONDO:0004994, HP:0001638. Inheritance: Various modes of inheritance.

Allele frequency attached by ClinVar (database versions not stated): gnomAD exomes below 0.00001.
gnomAD v4.1: 1 of 1,610,224 alleles (0.000062%); highest among the groups gnomAD compares: Non-Finnish European, 0.000085%; no homozygotes.

Submission:

Color Diagnostics, LLC DBA Color Health
Classification: Uncertain significance for Cardiomyopathy. Last evaluated: 2024-03-07. Review status: criteria provided, single submitter. Criteria: ACMG Guidelines, 2015. Collection method: clinical testing. Allele origin: germline.
Comment: This missense variant replaces glycine with arginine at codon 37 of the MYBPC3 protein. Computational prediction suggests that this variant may not impact protein structure and function (internally defined REVEL score threshold <= 0.5, PMID: 27666373). To our knowledge, functional studies have not been reported for this variant. This variant has not been reported in individuals affected with cardiovascular disorders in the literature. This variant has not been identified in the general population by the Genome Aggregation Database (gnomAD). The available evidence is insufficient to determine the role of this variant in disease conclusively. Therefore, this variant is classified as a Variant of Uncertain Significance.